The following is an entry in ClinVar:

NM_000158.4(GBE1):c.1237G>C (p.Asp413His)

Gene: GBE1 (1,4-alpha-glucan branching enzyme 1; minus strand). Cytogenetic location: 3p12.2.
Variant type: single nucleotide variant.
Coding change: c.1237G>C on transcript NM_000158.4 (MANE Select); coding-DNA position 1237, G replaced by C.
Protein change: p.Asp413His; replaces aspartic acid 413 with histidine.
Molecular consequence: missense variant.
Genome position (GRCh38, 1-based): chr3:81,586,190, C>G on the plus strand (G>C on the coding strand, the complement: GBE1 is on the minus strand). VCF-style: chr3-81586190-C-G. GRCh37 (hg19) VCF-style: chr3-81635341-C-G.
Other names: short protein forms D413H.
Identifiers: ClinVar variation 1698496 (VCV001698496.4), dbSNP rs752711257, ClinGen allele CA2499728.
Genomic context (GRCh38, chr3:81,586,190, plus strand): 5'-AGTCAAAACCACCCCCTCCCTGGGAAATTGGAGAGCACAGAGCTGGCATTCCTGATACAT[C>G]CTACAACAAAGAACGTCGGTTCATAATGATCAAACTTTTAGTAAATATTCTGACTGTAAA-3'
Protein context (NP_000149.4, residues 403-423): LCPDSITIAE[Asp413His]VSGMPALCSP

ClinVar aggregate classification (germline): Uncertain significance. Review status: criteria provided, multiple submitters, no conflicts (2 of 4 stars). 2 submissions from 2 submitters: Uncertain significance (2). Last evaluated 2025-12-01.

Allele frequency attached by ClinVar (database versions not stated): gnomAD exomes below 0.00001; ExAC 0.00001.
gnomAD v4.1: 1 of 1,590,012 alleles (0.000063%); highest among the groups gnomAD compares: Non-Finnish European, 0.000086%; no homozygotes.

Submissions (2):

GeneDx
Classification: Uncertain significance. Last evaluated: 2025-12-01. Review status: criteria provided, single submitter. Criteria: GeneDx Variant Classification Process June 2021. Collection method: clinical testing. Allele origin: germline.
Comment: Not observed at significant frequency in large population cohorts (gnomAD); In silico analysis supports that this missense variant has a deleterious effect on protein structure/function; In silico analysis supports a deleterious effect on splicing; This variant is associated with the following publications: (PMID: 39143664, 26199317, 24380807)

Women's Health and Genetics/Laboratory Corporation of America, LabCorp
Classification: Uncertain significance. Last evaluated: 2025-06-04. Review status: criteria provided, single submitter. Criteria: LabCorp Variant Classification Summary - May 2015. Collection method: clinical testing. Allele origin: germline.
Comment: Variant summary: GBE1 c.1237G>C (p.Asp413His) results in a non-conservative amino acid change located in the Glycosyl hydrolase, family 13, catalytic domain (IPR006047) of the encoded protein sequence. Algorithms developed to predict the effect of missense changes on protein structure and function all suggest that this variant is likely to be disruptive. Several computational tools predict a significant impact on normal splicing: Three predict the variant weakens a 3' acceptor site. One predicts the variant has no significant impact on splicing. However, these predictions have yet to be confirmed by functional studies. The variant allele was found at a frequency of 4.3e-06 in 235030 control chromosomes. The available data on variant occurrences in the general population are insufficient to allow any conclusion about variant significance. c.1237G>C has been observed in in one compound heterozygous individual affected with Adult polyglucosan body disease (Sagnelli_2013). This report does not provide unequivocal conclusions about association of the variant with Glycogen Storage Disease, Type IV. To our knowledge, no experimental evidence demonstrating an impact on protein function has been reported. The following publications have been ascertained in the context of this evaluation (PMID: 26199317, 24380807). ClinVar contains an entry for this variant (Variation ID: 1698496). Based on the evidence outlined above, the variant was classified as uncertain significance.

Literature cited by the submitters: PubMed 26199317 (cited by Women's Health and Genetics/Laboratory Corporation of America, LabCorp); PubMed 24380807 (cited by Women's Health and Genetics/Laboratory Corporation of America, LabCorp).